The following is an entry in ClinVar:

ClinVar aggregate classification (germline): Benign. Review status: criteria provided, multiple submitters, no conflicts (2 of 4 stars). 2 submissions from 2 submitters: Benign (2). Last evaluated 2016-03-29.

Allele frequency attached by ClinVar (database versions not stated): ExAC 0.03006; gnomAD exomes 0.03058 and 0.04344; gnomAD 0.03102 and 0.03209; ESP Exome Variant Server 0.03168; 1000 Genomes Project 30x 0.01499; 1000 Genomes Project 0.01518; TOPMed 0.02971.

Submissions (2):

Laboratory for Molecular Medicine, Mass General Brigham Personalized Medicine
Classification: Benign. Last evaluated: 2016-03-29. Review status: criteria provided, single submitter. Criteria: LMM Criteria. Collection method: clinical testing. Allele origin: germline.
Comment: Variant identified in a genome or exome case(s) and assessed due to predicted null impact of the variant or pathogenic assertions in the literature or databases. Disclaimer: This variant has not undergone full assessment. The following are preliminary notes: Frequency

Breakthrough Genomics
Classification: Benign. Review status: criteria provided, single submitter. Criteria: ACMG Guidelines, 2015. Collection method: not provided. Allele origin: germline. Inheritance: Unknown mechanism. Affected: yes.

NM_030974.4(SHARPIN):c.880C>T (p.Pro294Ser)

Gene: SHARPIN (SHANK associated RH domain interactor; minus strand). Cytogenetic location: 8q24.3.
Variant type: single nucleotide variant.
Coding change: c.880C>T on transcript NM_030974.4 (MANE Select); coding-DNA position 880, C replaced by T.
Protein change: p.Pro294Ser; replaces proline 294 with serine.
Molecular consequence: missense variant. On other transcripts: non-coding transcript variant (1).
Genome position (GRCh38, 1-based): chr8:144,099,319, G>A on the plus strand (C>T on the coding strand, the complement: SHARPIN is on the minus strand). VCF-style: chr8-144099319-G-A. GRCh37 (hg19) VCF-style: chr8-145154222-G-A.
Other names: short protein forms P294S.
Identifiers: ClinVar variation 403432 (VCV000403432.5), dbSNP rs34674752, ClinGen allele CA4933737.